The following is an entry in ClinVar:

NM_005172.2(ATOH1):c.1030del (p.His344fs)

Gene: ATOH1 (atonal bHLH transcription factor 1; plus strand). Cytogenetic location: 4q22.2.
Variant type: Deletion.
Coding change: c.1030del on transcript NM_005172.2 (MANE Select); coding-DNA position 1030, one base deleted (C; older notation c.1030delC).
Protein change: p.His344fs; shifts the reading frame from histidine 344.
Molecular consequence: frameshift variant.
Genome position (GRCh38, 1-based): chr4:93,829,956, C deleted; the last of 6 consecutive C bases (chr4:93,829,951-93,829,956); deleting any one gives the same sequence. VCF-style (leftmost placement, unchanged base first): chr4-93829950-TC-T. GRCh37 (hg19) VCF-style: chr4-94751101-TC-T.
Other names: short protein forms H344fs.
Identifiers: ClinVar variation 813817 (VCV000813817.3), dbSNP rs1578814396, ClinGen allele CA440518771.

ClinVar aggregate classification (germline): Pathogenic. Review status: criteria provided, single submitter (1 of 4 stars). 2 submissions from 2 submitters: Pathogenic (1). 1 of the submissions does not count toward it. Last evaluated 2018-05-07.

Conditions:
Hearing loss, autosomal dominant 89. Also called: Deafness, autosomal dominant 89. Identifiers: MedGen C5830357, MONDO:0859528, OMIM 620284.
Dominant progressive sensorineural hearing loss.

Submissions (2):

Laboratory of Prof. Karen Avraham, Tel Aviv University
Classification: Pathogenic for Dominant progressive sensorineural hearing loss. Last evaluated: 2018-05-07. Review status: criteria provided, single submitter. Criteria: ACMG Guidelines, 2015. Collection method: research. Allele origin: germline. Affected: yes.
Comment: Dominant, childhood onset, progressive mild-moderate NSHL

OMIM
Classification: Pathogenic for DEAFNESS, AUTOSOMAL DOMINANT 89 (1 family). Last evaluated: 2023-04-03. Review status: no assertion criteria provided. Collection method: literature only. Allele origin: germline. Not counted in ClinVar's aggregate classification.

Literature cited by the submitters: PubMed 33111345 (cited by OMIM).